The following is an entry in ClinVar:

NM_000326.5(RLBP1):c.190C>T (p.Arg64Ter)

Gene: RLBP1 (retinaldehyde binding protein 1; minus strand). Cytogenetic location: 15q26.1.
Variant type: single nucleotide variant.
Coding change: c.190C>T on transcript NM_000326.5 (MANE Select); coding-DNA position 190, C replaced by T.
Protein change: p.Arg64Ter; replaces arginine 64 with a stop codon.
Molecular consequence: nonsense.
Genome position (GRCh38, 1-based): chr15:89,217,276, G>A on the plus strand (C>T on the coding strand, the complement: RLBP1 is on the minus strand). VCF-style: chr15-89217276-G-A. GRCh37 (hg19) VCF-style: chr15-89760507-G-A.
Other names: short protein forms R64*.
Identifiers: ClinVar variation 865948 (VCV000865948.11), dbSNP rs561618945, ClinGen allele CA393731059.

ClinVar aggregate classification (germline): Pathogenic/Likely pathogenic. Review status: criteria provided, multiple submitters, no conflicts (2 of 4 stars). 3 submissions from 3 submitters: Pathogenic (2); Likely pathogenic (1). Last evaluated 2026-02-06.

Conditions:
RLBP1-related disorder. Also called: RLBP1-related disorders; RLBP1-related condition. Identifiers: MedGen CN239413.

Submissions (3):

PreventionGenetics, part of Exact Sciences
Classification: Likely pathogenic for RLBP1-related condition. Last evaluated: 2026-02-06. Review status: criteria provided, single submitter. Criteria: ACMG Guidelines, 2015. Collection method: clinical testing. Allele origin: germline.
Comment: The RLBP1 c.190C>T variant is predicted to result in premature protein termination (p.Arg64*). To our knowledge, this variant has not been reported in the literature. This variant is absent in a large population database (gnomAD), indicating this variant is rare. Nonsense variants in RLBP1 are an established mechanism of disease. This variant is interpreted as likely pathogenic.

Labcorp Genetics (formerly Invitae), Labcorp
Classification: Pathogenic. Last evaluated: 2025-09-26. Review status: criteria provided, single submitter. Criteria: Invitae Variant Classification Sherloc (09022015). Collection method: clinical testing. Allele origin: germline.
Comment: This sequence change creates a premature translational stop signal (p.Arg64*) in the RLBP1 gene. It is expected to result in an absent or disrupted protein product. Loss-of-function variants in RLBP1 are known to be pathogenic (PMID: 2392416, 11301032, 21447491, 25429852). This variant is not present in population databases (gnomAD no frequency). This variant has not been reported in the literature in individuals affected with RLBP1-related conditions. ClinVar contains an entry for this variant (Variation ID: 865948). For these reasons, this variant has been classified as Pathogenic.

Blueprint Genetics
Classification: Pathogenic for RLBP1-related disorders. Last evaluated: 2022-09-21. Review status: criteria provided, single submitter. Criteria: ACMG Guidelines, 2015. Collection method: clinical testing. Allele origin: germline. Affected: yes. Observed: 5 variant alleles.

Literature cited by the submitters: PubMed 2392416 (cited by Labcorp Genetics (formerly Invitae), Labcorp); PubMed 11301032 (cited by Labcorp Genetics (formerly Invitae), Labcorp); PubMed 21447491 (cited by Labcorp Genetics (formerly Invitae), Labcorp); PubMed 25429852 (cited by Labcorp Genetics (formerly Invitae), Labcorp).